The following is an entry in ClinVar:

ClinVar aggregate classification (germline): Benign. Review status: criteria provided, multiple submitters, no conflicts (2 of 4 stars). 3 submissions from 2 submitters: Benign (3). Last evaluated 2021-05-14.

Conditions:
Migraine, familial hemiplegic, 3. Identifiers: Orphanet 569, MedGen C1864987, MONDO:0012320, OMIM 609634.
Generalized epilepsy with febrile seizures plus, type 2 (GEFSP2). Also called: GEFS+, TYPE 2. Identifiers: Orphanet 36387, MedGen C1858673, MONDO:0011461, OMIM 604403.

Allele frequency attached by ClinVar (database versions not stated): gnomAD 0.03697 and 0.03977; 1000 Genomes Project 0.03774; TOPMed 0.04141; 1000 Genomes Project 30x 0.04216.

Submissions (5):

GeneDx
Classification: Benign. Last evaluated: 2021-05-14. Review status: criteria provided, single submitter. Criteria: GeneDx Variant Classification Process June 2021. Collection method: clinical testing. Allele origin: germline. Affected: yes.

Illumina Laboratory Services, Illumina
Classification: Benign for Migraine, familial hemiplegic, 3. Last evaluated: 2018-01-13. Review status: criteria provided, single submitter. Criteria: ICSL Variant Classification Criteria 13 December 2019. Collection method: clinical testing. Allele origin: germline.
Comment: This variant was observed in the ICSL laboratory as part of a predisposition screen in an ostensibly healthy population. It had not been previously curated by ICSL or reported in the Human Gene Mutation Database (HGMD: prior to June 1st, 2018), and was therefore a candidate for classification through an automated scoring system. Utilizing variant allele frequency, disease prevalence and penetrance estimates, and inheritance mode, an automated score was calculated to assess if this variant is too frequent to cause the disease. Based on the score and internal cut-off values, a variant classified as benign is not then subjected to further curation. The score for this variant resulted in a classification of benign for this disease.

Illumina Laboratory Services, Illumina
Classification: Benign for Generalized epilepsy with febrile seizures plus, type 2. Last evaluated: 2018-01-13. Review status: criteria provided, single submitter. Criteria: ICSL Variant Classification Criteria 13 December 2019. Collection method: clinical testing. Allele origin: germline.
Comment: the same text as in the submission from Illumina Laboratory Services, Illumina above.

Dr. Peter K. Rogan Lab, Western University
No classification provided (evidence only). Condition: Uterine corpus endometrial carcinoma. Review status: no classification provided. Collection method: in vitro. Allele origin: not applicable. Functional consequence: retained intron. Not counted in ClinVar's aggregate classification.

Dr. Peter K. Rogan Lab, Western University
No classification provided (evidence only). Condition: Ovarian serous cystadenocarcinoma. Review status: no classification provided. Collection method: in vitro. Allele origin: not applicable. Functional consequence: retained intron. Not counted in ClinVar's aggregate classification.

NM_001165963.4(SCN1A):c.*1693A>G

Genes: SCN1A (sodium voltage-gated channel alpha subunit 1; minus strand), LOC102724058 (uncharacterized LOC102724058; plus strand). Cytogenetic location: 2q24.3.
Variant type: single nucleotide variant.
Coding change: c.*1693A>G on transcript NM_001165963.4 (MANE Select); 1693 bases downstream of the stop codon, A replaced by G.
Molecular consequence: 3 prime UTR variant. On other transcripts: non-coding transcript variant (1).
Genome position (GRCh38, 1-based): chr2:165,989,552, T>C on the plus strand (A>G on the coding strand, the complement: SCN1A is on the minus strand). VCF-style: chr2-165989552-T-C. GRCh37 (hg19) VCF-style: chr2-166846062-T-C.
Other names: NC_000002.11:g.166846062T>C; c.*1693A>G (NM_001165964.3, NM_001202435.3, NM_001353948.2 and 11 more transcripts).
Identifiers: ClinVar variation 331863 (VCV000331863.9), dbSNP rs7591522, ClinGen allele CA10611187.